The following is an entry in ClinVar:

ClinVar aggregate classification (germline): Pathogenic (1 of 4 stars; one submission).

Conditions:
Primary hyperoxaluria, type I (HP1). Also called: OXALOSIS I; Primary hyperoxaluria type 1; GLYCOLIC ACIDURIA; HEPATIC AGT DEFICIENCY. Identifiers: Orphanet 416, Orphanet 93598, MedGen C0268164, MONDO:0009823, OMIM 259900. Disease mechanism: loss of function.

Submission:

Thalassemia Center, San Luigi University Hospital
Classification: Pathogenic for Primary hyperoxaluria, type I. Last evaluated: 2023-10-27. Review status: criteria provided, single submitter. Criteria: ACMG Guidelines, 2015. Collection method: clinical testing. Allele origin: germline. Affected: yes.
Comment: ACMG:PVS1 PM2 PP3

NM_000030.3(AGXT):c.693C>G (p.Tyr231Ter)

Gene: AGXT (alanine--glyoxylate aminotransferase; plus strand). Cytogenetic location: 2q37.3.
Variant type: single nucleotide variant.
Coding change: c.693C>G on transcript NM_000030.3 (MANE Select); coding-DNA position 693, C replaced by G.
Protein change: p.Tyr231Ter; replaces tyrosine 231 with a stop codon.
Molecular consequence: nonsense.
Genome position (GRCh38, 1-based): chr2:240,875,121, C>G. VCF-style: chr2-240875121-C-G. GRCh37 (hg19) VCF-style: chr2-241814538-C-G.
Other names: short protein forms Y231*.
Identifiers: ClinVar variation 2671873 (VCV002671873.1), dbSNP rs1458285200, ClinGen allele CA351317951.